The following is an entry in ClinVar:

NM_016203.4(PRKAG2):c.1357G>C (p.Val453Leu)

Gene: PRKAG2 (protein kinase AMP-activated non-catalytic subunit gamma 2; minus strand). Cytogenetic location: 7q36.1.
Variant type: single nucleotide variant.
Coding change: c.1357G>C on transcript NM_016203.4 (MANE Select); coding-DNA position 1357, G replaced by C.
Protein change: p.Val453Leu; replaces valine 453 with leucine.
Molecular consequence: missense variant.
Genome position (GRCh38, 1-based): chr7:151,565,762, C>G on the plus strand (G>C on the coding strand, the complement: PRKAG2 is on the minus strand). VCF-style: chr7-151565762-C-G. GRCh37 (hg19) VCF-style: chr7-151262848-C-G.
Other names: c.1225G>C, p.Val409Leu (NM_001040633.2, NM_001407024.1); c.982G>C, p.Val328Leu (NM_001304527.2, NM_001407029.1); c.634G>C, p.Val212Leu (NM_001304531.2, NM_001407034.1, NM_001407035.1 and 1 more transcripts); c.985G>C, p.Val329Leu (NM_001363698.2, NM_001407028.1); c.1357G>C, p.Val453Leu (NM_001407021.1); c.1354G>C, p.Val452Leu (NM_001407022.1, NM_001407023.1); c.1222G>C, p.Val408Leu (NM_001407026.1, NM_001407027.1); c.1069G>C, p.Val357Leu (NM_001407030.1); and 6 more; short protein forms V211L, V212L, V228L, V232L, V328L, V329L, V345L, V347L.
Identifiers: ClinVar variation 4802503 (VCV004802503.1).

ClinVar aggregate classification (germline): Uncertain significance (1 of 4 stars; one submission).

Conditions:
Lethal congenital glycogen storage disease of heart. Also called: GLYCOGEN STORAGE DISEASE OF HEART; PHOSPHORYLASE KINASE DEFICIENCY OF HEART. Identifiers: Orphanet 439854, MedGen C1849813, MONDO:0009867, OMIM 261740.

Submission:

Labcorp Genetics (formerly Invitae), Labcorp
Classification: Uncertain significance for Lethal congenital glycogen storage disease of heart. Last evaluated: 2026-01-31. Review status: criteria provided, single submitter. Criteria: Invitae Variant Classification Sherloc (09022015). Collection method: clinical testing. Allele origin: germline.
Comment: This sequence change replaces valine, which is neutral and non-polar, with leucine, which is neutral and non-polar, at codon 453 of the PRKAG2 protein (p.Val453Leu). This variant is not present in population databases (gnomAD no frequency). This variant has not been reported in the literature in individuals affected with PRKAG2-related conditions. Invitae Evidence Modeling of protein sequence and biophysical properties (such as structural, functional, and spatial information, amino acid conservation, physicochemical variation, residue mobility, and thermodynamic stability) indicates that this missense variant is not expected to disrupt PRKAG2 protein function with a negative predictive value of 95%. In summary, the available evidence is currently insufficient to determine the role of this variant in disease. Therefore, it has been classified as a Variant of Uncertain Significance.